The following is an entry in ClinVar:

NM_000702.4(ATP1A2):c.2287C>T (p.Arg763Cys)

Gene: ATP1A2 (ATPase Na+/K+ transporting subunit alpha 2; plus strand). Cytogenetic location: 1q23.2.
Variant type: single nucleotide variant.
Coding change: c.2287C>T on transcript NM_000702.4 (MANE Select); coding-DNA position 2287, C replaced by T.
Protein change: p.Arg763Cys; replaces arginine 763 with cysteine.
Molecular consequence: missense variant.
Genome position (GRCh38, 1-based): chr1:160,135,841, C>T. VCF-style: chr1-160135841-C-T. GRCh37 (hg19) VCF-style: chr1-160105631-C-T.
Other names: short protein forms R763C.
Identifiers: ClinVar variation 1303059 (VCV001303059.9), dbSNP rs2101995435, ClinGen allele CA343249870.

ClinVar aggregate classification (germline): Uncertain significance. Review status: criteria provided, multiple submitters, no conflicts (2 of 4 stars). 3 submissions from 3 submitters: Uncertain significance (3). Last evaluated 2024-11-21.

Conditions:
ATP1A2-related disorder. Also called: ATP1A2-related condition; ATP1A2-RELATED DISORDERS.
Familial hemiplegic migraine. Identifiers: MedGen C0338484, MONDO:0000700.

Allele frequency attached by ClinVar (database versions not stated): gnomAD exomes below 0.00001.
gnomAD v4.1: 1 of 1,614,130 alleles (0.000062%); highest among the groups gnomAD compares: South Asian, 0.0011%; no homozygotes.

Submissions (3):

GeneDx
Classification: Uncertain significance. Last evaluated: 2024-11-21. Review status: criteria provided, single submitter. Criteria: GeneDx Variant Classification Process June 2021. Collection method: clinical testing. Allele origin: germline. Affected: yes.
Comment: Identified in three affected individuals from a single family with familial hemiplegic migraine, however, the variant did not fully segregate with disease as the variant was absent in another affected family member (PMID: 17142831); Not observed at significant frequency in large population cohorts (gnomAD); In silico analysis supports that this missense variant has a deleterious effect on protein structure/function; This variant is associated with the following publications: (PMID: 29343472, 20727009, 24336169, 18294248, 27445835, 17235123, 17142831, 37870493)

Labcorp Genetics (formerly Invitae), Labcorp
Classification: Uncertain significance for Familial hemiplegic migraine. Last evaluated: 2024-05-29. Review status: criteria provided, single submitter. Criteria: Invitae Variant Classification Sherloc (09022015). Collection method: clinical testing. Allele origin: germline.
Comment: This sequence change replaces arginine, which is basic and polar, with cysteine, which is neutral and slightly polar, at codon 763 of the ATP1A2 protein (p.Arg763Cys). This variant is not present in population databases (gnomAD no frequency). This missense change has been observed in individual(s) with familial hemiplegic migraine (PMID: 17142831, 29343472). It has also been observed to segregate with disease in related individuals. ClinVar contains an entry for this variant (Variation ID: 1303059). An algorithm developed to predict the effect of missense changes on protein structure and function (PolyPhen-2) suggests that this variant is likely to be disruptive. This variant disrupts the p.Arg763 amino acid residue in ATP1A2. Other variant(s) that disrupt this residue have been observed in individuals with ATP1A2-related conditions (PMID: 15159495, 18728015), which suggests that this may be a clinically significant amino acid residue. In summary, the available evidence is currently insufficient to determine the role of this variant in disease. Therefore, it has been classified as a Variant of Uncertain Significance.

PreventionGenetics, part of Exact Sciences
Classification: Uncertain significance for ATP1A2-related condition. Last evaluated: 2023-02-14. Review status: criteria provided, single submitter. Criteria: ACMG Guidelines, 2015. Collection method: clinical testing. Allele origin: germline.
Comment: The ATP1A2 c.2287C>T variant is predicted to result in the amino acid substitution p.Arg763Cys. This variant was reported in one family with several members who presented with familial hemiplegic migraine or migraine with aura; however, it did not entirely segregate with disease in the family, as one individual with the variant did not present with the disease (family 6016, Thomsen et al. 2007. PubMed ID: 17142831). This variant was also described as a variant of uncertain significance in a large cohort of patients with hemiplegic migraine; in this study, the variant was present in six patients with hemiplegic migraine (Pelzer et al. 2018. PubMed ID: 29343472, supplementary data). A different amino acid substitution at this position (p.Arg763His) was previously reported in association with hemiplegic migraine (Jurkat-Rott et al. 2004. PubMed ID: 15159495). The c.2287C>T (p.Arg763Cys) variant has not been reported in a large population database, indicating this variant is rare. Although we suspect that this variant may be pathogenic, the clinical significance of this variant is currently classified as uncertain due to the absence of conclusive functional and genetic evidence.

Literature cited by the submitters: PubMed 17142831 (cited by Labcorp Genetics (formerly Invitae), Labcorp); PubMed 29343472 (cited by Labcorp Genetics (formerly Invitae), Labcorp); PubMed 15159495 (cited by Labcorp Genetics (formerly Invitae), Labcorp); PubMed 18728015 (cited by Labcorp Genetics (formerly Invitae), Labcorp).